The following is an entry in ClinVar:

NM_001378454.1(ALMS1):c.8654G>T (p.Arg2885Leu)

Gene: ALMS1 (ALMS1 centrosome and basal body associated protein; plus strand). Cytogenetic location: 2p13.1.
Variant type: single nucleotide variant.
Coding change: c.8654G>T on transcript NM_001378454.1 (MANE Select); coding-DNA position 8654, G replaced by T.
Protein change: p.Arg2885Leu; replaces arginine 2885 with leucine.
Molecular consequence: missense variant.
Genome position (GRCh38, 1-based): chr2:73,490,613, G>T. VCF-style: chr2-73490613-G-T. GRCh37 (hg19) VCF-style: chr2-73717740-G-T.
Other names: c.8657G>T, p.Arg2886Leu (NM_015120.4); short protein forms R2885L, R2886L.
Identifiers: ClinVar variation 2419564 (VCV002419564.3), dbSNP rs185447739, ClinGen allele CA347269921.
Genomic context (GRCh38, chr2:73,490,613, plus strand): 5'-TAAAAGAGAAGAATGTAACTATAACTCCAGATCTTCCTTCTTGCATTTTTCTTGAACAAC[G>T]AGAGCTCTTTGAACAAAGCAAAGCCCCACGTGCAGATGACCATGTGAGGAAACACCATTC-3'
Protein context (NP_001365383.1, residues 2875-2895): DLPSCIFLEQ[Arg2885Leu]ELFEQSKAPR

ClinVar aggregate classification (germline): Uncertain significance (1 of 4 stars; one submission).

Conditions:
Alstrom syndrome (ALMS). Identifiers: Orphanet 64, MedGen C0268425, MONDO:0008763, OMIM 203800.

Submission:

Labcorp Genetics (formerly Invitae), Labcorp
Classification: Uncertain significance for Alstrom syndrome. Last evaluated: 2022-05-12. Review status: criteria provided, single submitter. Criteria: Invitae Variant Classification Sherloc (09022015). Collection method: clinical testing. Allele origin: germline.
Comment: This sequence change replaces arginine with leucine at codon 2886 of the ALMS1 protein (p.Arg2886Leu). The arginine residue is moderately conserved and there is a moderate physicochemical difference between arginine and leucine. This variant is not present in population databases (gnomAD no frequency). This variant has not been reported in the literature in individuals affected with ALMS1-related conditions. Experimental studies and prediction algorithms are not available or were not evaluated, and the functional significance of this variant is currently unknown. In summary, the available evidence is currently insufficient to determine the role of this variant in disease. Therefore, it has been classified as a Variant of Uncertain Significance.